The following is an entry in ClinVar:

ClinVar aggregate classification (germline): Likely pathogenic (1 of 4 stars; one submission).

gnomAD v4.1: 3 of 1,209,345 alleles (0.00025%); highest among the groups gnomAD compares: African/African-American, 0.0035%; no homozygotes.

Submission:

GeneDx
Classification: Likely pathogenic. Last evaluated: 2024-11-18. Review status: criteria provided, single submitter. Criteria: GeneDx Variant Classification Process June 2021. Collection method: clinical testing. Allele origin: germline. Affected: yes.
Comment: Not observed at significant frequency in large population cohorts (gnomAD); In silico analysis supports that this missense variant has a deleterious effect on protein structure/function; Has not been previously published as pathogenic or benign to our knowledge; This variant is associated with the following publications: (PMID: 23365099)

NM_001195553.2(DCX):c.533G>A (p.Arg178His)

Gene: DCX (doublecortin; minus strand). Cytogenetic location: Xq23.
Variant type: single nucleotide variant.
Coding change: c.533G>A on transcript NM_001195553.2 (MANE Select); coding-DNA position 533, G replaced by A.
Protein change: p.Arg178His; replaces arginine 178 with histidine.
Molecular consequence: missense variant.
Genome position (GRCh38, 1-based): chrX:111,401,162, C>T on the plus strand (G>A on the coding strand, the complement: DCX is on the minus strand). VCF-style: chrX-111401162-C-T. GRCh37 (hg19) VCF-style: chrX-110644390-C-T.
Other names: c.776G>A, p.Arg259His (NM_000555.3); c.533G>A, p.Arg178His (NM_001369370.1, NM_001369371.1, NM_001369372.1 and 6 more transcripts); short protein forms R178H, R259H.
Identifiers: ClinVar variation 3899812 (VCV003899812.1).